The following is an entry in ClinVar:

ClinVar aggregate classification (germline): Uncertain significance (1 of 4 stars; one submission).

Submission:

Labcorp Genetics (formerly Invitae), Labcorp
Classification: Uncertain significance. Last evaluated: 2023-02-27. Review status: criteria provided, single submitter. Criteria: Invitae Variant Classification Sherloc (09022015). Collection method: clinical testing. Allele origin: germline.
Comment: In summary, the available evidence is currently insufficient to determine the role of this variant in disease. Therefore, it has been classified as a Variant of Uncertain Significance. Experimental studies and prediction algorithms are not available or were not evaluated, and the functional significance of this variant is currently unknown. ClinVar contains an entry for this variant (Variation ID: 1948640). This variant has not been reported in the literature in individuals affected with NPAT-related conditions. This variant is present in population databases (rs776328400, gnomAD 0.03%). This variant, c.2316_2318del, is a complex sequence change that results in the deletion of 2 and insertion of 1 amino acid(s) in the NPAT protein (p.Ile772_Leu773delinsMet).

NM_002519.3(NPAT):c.2316_2318del (p.Ile772_Leu773delinsMet)

Gene: NPAT (nuclear protein, coactivator of histone transcription; minus strand). Cytogenetic location: 11q22.3.
Variant type: Deletion.
Coding change: c.2316_2318del on transcript NM_002519.3 (MANE Select); coding-DNA positions 2316 to 2318, 3 bases deleted (CTT; older notation c.2316_2318delCTT).
Protein change: p.Ile772_Leu773delinsMet.
Molecular consequence: inframe indel.
Genome position (GRCh38, 1-based): chr11:108,172,666-108,172,668, AAG deleted on the plus strand (CTT on the coding strand, the reverse complement: NPAT is on the minus strand); deleting any 3 consecutive bases within chr11:108,172,666-108,172,669 gives the same sequence; the c. name uses the placement nearest the transcript's 3' end. VCF-style (leftmost placement, unchanged base first): chr11-108172665-CAAG-C. GRCh37 (hg19) VCF-style: chr11-108043392-CAAG-C.
Other names: c.2316_2318del, p.Ile772_Leu773delinsMet (NM_001321307.1).
Identifiers: ClinVar variation 1948640 (VCV001948640.5), dbSNP rs776328400, ClinGen allele CA6263837.